The following is an entry in ClinVar:

ClinVar aggregate classification (germline): Pathogenic/Likely pathogenic. Review status: criteria provided, multiple submitters, no conflicts (2 of 4 stars). 10 submissions from 10 submitters: Pathogenic (8); Likely pathogenic (1). 1 of the submissions does not count toward it. Last evaluated 2025-11-23.

Conditions:
EYS-related disorder. Also called: EYS-related condition.
Retinitis pigmentosa 25 (RP25). Identifiers: Orphanet 791, MedGen C1864446, MONDO:0011272, OMIM 602772.
Retinitis pigmentosa (RP). Identifiers: Orphanet 791, MedGen C0035334, MeSH D012174, MONDO:0019200, OMIM 268000. Inheritance: Autosomal dominant, autosomal recessive and X linked inheritance.

Allele frequency attached by ClinVar (database versions not stated): gnomAD 0.00006 and 0.00005; gnomAD exomes 0.00007 and 0.00004; TOPMed 0.00005.
gnomAD v4.1: 106 of 1,550,934 alleles (0.0068%); highest among the groups gnomAD compares: Non-Finnish European, 0.0085%; 1 homozygote.

Submissions (10):

Labcorp Genetics (formerly Invitae), Labcorp
Classification: Pathogenic. Last evaluated: 2025-11-23. Review status: criteria provided, single submitter. Criteria: Invitae Variant Classification Sherloc (09022015). Collection method: clinical testing. Allele origin: germline.
Comment: This sequence change creates a premature translational stop signal (p.Gln874*) in the EYS gene. It is expected to result in an absent or disrupted protein product. Loss-of-function variants in EYS are known to be pathogenic (PMID: 18836446, 20333770). This variant is present in population databases (rs760798455, gnomAD 0.007%). This premature translational stop signal has been observed in individual(s) with an unspecified inherited retinal disease and/or retinitis pigmentosa (PMID: 25491159, 28041643). ClinVar contains an entry for this variant (Variation ID: 438194). For these reasons, this variant has been classified as Pathogenic.

Natera, Inc.
Classification: Pathogenic for Retinitis pigmentosa type 25. Last evaluated: 2025-10-19. Review status: criteria provided, single submitter. Criteria: Natera Variant Classification Schema (03/2026). Collection method: clinical testing. Allele origin: germline.
Comment: The c.2620C>T variant in EYS is a nonsense variant predicted to introduce a stop codon at amino acid 874. This variant is expected to result in nonsense mediated decay, truncation, or a dysfunctional protein product. This variant is rare in the general population with a frequency below the threshold expected for the associated phenotype(s). This variant has been observed in one or more individuals affected with the associated recessive disease, as either homozygous or compound heterozygous with a second variant (PMID: 25491159). Given the available evidence, this variant is classified as Pathogenic.

PreventionGenetics, part of Exact Sciences
Classification: Pathogenic for EYS-related condition. Last evaluated: 2024-12-19. Review status: criteria provided, single submitter. Criteria: ACMG Guidelines, 2015. Collection method: clinical testing. Allele origin: germline.
Comment: The EYS c.2620C>T variant is predicted to result in premature protein termination (p.Gln874*). This variant has been reported in individuals with autosomal recessive EYS-related retinitis pigmentosa (for examples see: Bonilha et al. 2015. PubMed ID: 25491159; Thorsteinsson et al. 2021. PubMed ID: 33851411; Supplemental table 4, Panneman et al. 2023. PubMed ID: 36819107). This variant is reported in 0.0079% of alleles in individuals of European (Non-Finnish) descent in gnomAD. Nonsense variants in EYS are expected to be pathogenic. This variant is interpreted as pathogenic.

Blueprint Genetics
Classification: Pathogenic for EYS-related disorders. Last evaluated: 2024-07-12. Review status: criteria provided, single submitter. Criteria: ACMG Guidelines, 2015. Collection method: clinical testing. Allele origin: germline. Affected: yes. Observed: 5 variant alleles.

Myriad Genetics, Inc.
Classification: Pathogenic for Retinitis pigmentosa 25. Last evaluated: 2024-05-06. Review status: criteria provided, single submitter. Criteria: Myriad Autosomal Dominant, Autosomal Recessive and X-Linked Classification Criteria (2023). Collection method: clinical testing. Allele origin: unknown.
Comment: NM_001142800.1(EYS):c.2620C>T(Q874*) is expected to be pathogenic in the context of retinitis pigmentosa, EYS-related. This variant is predicted to lead to an abnormal or absent protein product due to the creation of a premature termination codon in EYS, a gene where loss-of-function variants are known to be pathogenic. Please note: this variant was assessed in the context of healthy population screening.

Baylor Genetics
Classification: Pathogenic for Retinitis pigmentosa 25. Last evaluated: 2024-03-28. Review status: criteria provided, single submitter. Criteria: ACMG Guidelines, 2015. Collection method: clinical testing. Allele origin: unknown.

Fulgent Genetics
Classification: Pathogenic for Retinitis pigmentosa 25. Last evaluated: 2024-01-31. Review status: criteria provided, single submitter. Criteria: ACMG Guidelines, 2015. Collection method: clinical testing. Allele origin: germline.

GeneDx
Classification: Pathogenic. Last evaluated: 2023-08-14. Review status: criteria provided, single submitter. Criteria: GeneDx Variant Classification Process June 2021. Collection method: clinical testing. Allele origin: germline. Affected: yes.
Comment: Nonsense variant predicted to result in protein truncation or nonsense mediated decay in a gene for which loss-of-function is a known mechanism of disease; This variant is associated with the following publications: (PMID: 25491159, 28041643, 32581362, 33851411, 31589614, 32037395, 35055178)

Ocular Genomics Institute, Massachusetts Eye and Ear
Classification: Likely pathogenic for Retinitis pigmentosa 25. Last evaluated: 2021-04-08. Review status: criteria provided, single submitter. Criteria: ACMG Guidelines, 2015. Collection method: research. Allele origin: germline. Affected: yes.
Comment: Through a review of available evidence we were able to apply the following criteria: PVS1, PM2. Based on this evidence we have classified this variant as Likely Pathogenic.

NIHR Bioresource Rare Diseases, University of Cambridge
Classification: Pathogenic for Retinitis pigmentosa. Last evaluated: 2015-01-01. Review status: no assertion criteria provided. Collection method: research. Allele origin: unknown. Affected: yes. Observed: 1 variant allele. Not counted in ClinVar's aggregate classification.

Literature cited by the submitters: PubMed 18836446 (cited by Labcorp Genetics (formerly Invitae), Labcorp); PubMed 20333770 (cited by Labcorp Genetics (formerly Invitae), Labcorp); PubMed 25491159 (cited by 4 submitters); PubMed 28041643 (cited by 3 submitters).

NM_001142800.2(EYS):c.2620C>T (p.Gln874Ter)

Gene: EYS (EGF-like photoreceptor maintenance factor; minus strand). Cytogenetic location: 6q12.
Variant type: single nucleotide variant.
Coding change: c.2620C>T on transcript NM_001142800.2 (MANE Select); coding-DNA position 2620, C replaced by T.
Protein change: p.Gln874Ter; replaces glutamine 874 with a stop codon.
Molecular consequence: nonsense.
Genome position (GRCh38, 1-based): chr6:64,912,505, G>A on the plus strand (C>T on the coding strand, the complement: EYS is on the minus strand). VCF-style: chr6-64912505-G-A. GRCh37 (hg19) VCF-style: chr6-65622398-G-A.
Other names: c.2620C>T, p.Gln874Ter (NM_001292009.2); short protein forms Q874*.
Identifiers: ClinVar variation 438194 (VCV000438194.22), dbSNP rs760798455, ClinGen allele CA140380268.
Genomic context (GRCh38, chr6:64,912,505, plus strand): 5'-TAATTATTTAAAAACAATAAAATCCATATTAGCTCTTACCTTCTCTACAAATACAATGCT[G>A]ATTTGCGTCTACCAAAGCTAAGCATGTTGAGTTGTTTCTGCAAGGGTTATGAAGTAGGTC-3'